The following is an entry in ClinVar:

NM_003718.5(CDK13):c.1943A>G (p.Asp648Gly)

Gene: CDK13 (cyclin dependent kinase 13; plus strand). Cytogenetic location: 7p14.1.
Variant type: single nucleotide variant.
Coding change: c.1943A>G on transcript NM_003718.5 (MANE Select); coding-DNA position 1943, A replaced by G.
Protein change: p.Asp648Gly; replaces aspartic acid 648 with glycine.
Molecular consequence: missense variant.
Genome position (GRCh38, 1-based): chr7:39,997,565, A>G. VCF-style: chr7-39997565-A-G. GRCh37 (hg19) VCF-style: chr7-40037164-A-G.
Other names: c.1943A>G, p.Asp648Gly (NM_031267.4); short protein forms D648G.
Identifiers: ClinVar variation 1712635 (VCV001712635.2), dbSNP rs2483771690, ClinGen allele CA367287246.
Genomic context (GRCh38, chr7:39,997,565, plus strand): 5'-ATATTTCAGTAAAAGCAGTTAAAAAAGAAGTAGAAAAGAAACTCCGATGTCTTCTTGCTG[A>G]TTTACCGCTGCCCCCTGAGCTACCAGGAGGAGATGATCTTTCAAAGAGTCCAGAGGAAAA-3'
Protein context (NP_003709.3, residues 638-658): VEKKLRCLLA[Asp648Gly]LPLPPELPGG

ClinVar aggregate classification (germline): Uncertain significance (1 of 4 stars; one submission).

Submission:

GeneDx
Classification: Uncertain significance. Last evaluated: 2022-04-29. Review status: criteria provided, single submitter. Criteria: GeneDx Variant Classification Process June 2021. Collection method: clinical testing. Allele origin: germline. Affected: yes.
Comment: Not observed at significant frequency in large population cohorts (gnomAD); In silico analysis supports that this missense variant has a deleterious effect on protein structure/function; Has not been previously published as pathogenic or benign to our knowledge